The following is an entry in ClinVar:

ClinVar aggregate classification (germline): Likely pathogenic (1 of 4 stars; one submission).

Conditions:
Gaucher disease. Also called: Acute cerebral Gaucher disease; Cerebroside lipidosis syndrome; Gaucher splenomegaly; Sphingolipidosis 1; Glucocerebrosidosis; Glucosylceramidase deficiency. Identifiers: Orphanet 355, MedGen C0017205, MONDO:0018150.

Submission:

Natera, Inc.
Classification: Likely pathogenic for Gaucher disease. Last evaluated: 2025-06-26. Review status: criteria provided, single submitter. Criteria: Natera Variant Classification Schema (03/2026). Collection method: clinical testing. Allele origin: germline.
Comment: The c.1206C>A variant in GBA1 is a nonsense variant predicted to introduce a stop codon at amino acid 402. This variant is expected to result in nonsense mediated decay, truncation, or a dysfunctional protein product. This variant is rare in the general population with a frequency below the threshold expected for the associated phenotype(s). Given the available evidence, this variant is classified as Likely Pathogenic.

NM_000157.4(GBA1):c.1206C>A (p.Tyr402Ter)

Genes: GBA1 (glucosylceramidase beta 1; minus strand), LOC106627981 (GBA recombination region; plus strand). Cytogenetic location: 1q22.
Variant type: single nucleotide variant.
Coding change: c.1206C>A on transcript NM_000157.4 (MANE Select); coding-DNA position 1206, C replaced by A.
Protein change: p.Tyr402Ter; replaces tyrosine 402 with a stop codon.
Molecular consequence: nonsense.
Genome position (GRCh38, 1-based): chr1:155,236,263, G>T on the plus strand (C>A on the coding strand, the complement: GBA1 is on the minus strand). VCF-style: chr1-155236263-G-T. GRCh37 (hg19) VCF-style: chr1-155206054-G-T.
Other names: c.1206C>A, p.Tyr402Ter (NM_001005741.3, NM_001005742.3); c.945C>A, p.Tyr315Ter (NM_001171811.2); c.1059C>A, p.Tyr353Ter (NM_001171812.2); short protein forms Y315*, Y353*, Y402*.
Identifiers: ClinVar variation 4817695 (VCV004817695.1).